The following is an entry in ClinVar:

NM_000043.6(FAS):c.900A>C (p.Lys300Asn)

Gene: FAS (Fas cell surface death receptor; plus strand). Cytogenetic location: 10q23.31.
Variant type: single nucleotide variant.
Coding change: c.900A>C on transcript NM_000043.6 (MANE Select); coding-DNA position 900, A replaced by C.
Protein change: p.Lys300Asn; replaces lysine 300 with asparagine.
Molecular consequence: missense variant. On other transcripts: 3 prime UTR variant (2), non-coding transcript variant (7).
Genome position (GRCh38, 1-based): chr10:89,014,342, A>C. VCF-style: chr10-89014342-A-C. GRCh37 (hg19) VCF-style: chr10-90774099-A-C.
Other names: c.*223A>C (NM_001320619.2); c.945A>C, p.Lys315Asn (NM_001410956.1); c.837A>C, p.Lys279Asn (NM_152871.4); c.*212A>C (NM_152872.4); short protein forms K315N, K279N, K300N.
Identifiers: ClinVar variation 3017940 (VCV003017940.3), dbSNP rs765240013, ClinGen allele CA377510069.

ClinVar aggregate classification (germline): Uncertain significance (1 of 4 stars; one submission).

Conditions:
Autoimmune lymphoproliferative syndrome type 1. Also called: AUTOIMMUNE LYMPHOPROLIFERATIVE SYNDROME, TYPE I, AUTOSOMAL DOMINANT. Identifiers: Orphanet 3261, MedGen C2717884, MONDO:0011158, OMIM 601859.

Submission:

Labcorp Genetics (formerly Invitae), Labcorp
Classification: Uncertain significance for Autoimmune lymphoproliferative syndrome. Last evaluated: 2022-11-10. Review status: criteria provided, single submitter. Criteria: Invitae Variant Classification Sherloc (09022015). Collection method: clinical testing. Allele origin: germline.
Comment: In summary, the available evidence is currently insufficient to determine the role of this variant in disease. Therefore, it has been classified as a Variant of Uncertain Significance. Advanced modeling of protein sequence and biophysical properties (such as structural, functional, and spatial information, amino acid conservation, physicochemical variation, residue mobility, and thermodynamic stability) has been performed at Invitae for this missense variant, however the output from this modeling did not meet the statistical confidence thresholds required to predict the impact of this variant on FAS protein function. This variant has not been reported in the literature in individuals affected with FAS-related conditions. This sequence change replaces lysine, which is basic and polar, with asparagine, which is neutral and polar, at codon 300 of the FAS protein (p.Lys300Asn). This variant is not present in population databases (gnomAD no frequency).